The following is an entry in ClinVar:

NM_030957.4(ADAMTS10):c.2384A>G (p.Asn795Ser)

Gene: ADAMTS10 (ADAM metallopeptidase with thrombospondin type 1 motif 10; minus strand). Cytogenetic location: 19p13.2.
Variant type: single nucleotide variant.
Coding change: c.2384A>G on transcript NM_030957.4 (MANE Select); coding-DNA position 2384, A replaced by G.
Protein change: p.Asn795Ser; replaces asparagine 795 with serine.
Molecular consequence: missense variant.
Genome position (GRCh38, 1-based): chr19:8,586,577, T>C on the plus strand (A>G on the coding strand, the complement: ADAMTS10 is on the minus strand). VCF-style: chr19-8586577-T-C. GRCh37 (hg19) VCF-style: chr19-8651461-T-C.
Other names: c.845A>G, p.Asn282Ser (NM_001282352.2); short protein forms N795S, N282S.
Identifiers: ClinVar variation 1427582 (VCV001427582.3), dbSNP rs373528676, ClinGen allele CA9160131.

ClinVar aggregate classification (germline): Uncertain significance (1 of 4 stars; one submission).

Allele frequency attached by ClinVar (database versions not stated): ExAC 0.00001; gnomAD exomes 0.00001 and 0.00019; TOPMed 0.00003; gnomAD 0.00004; ESP Exome Variant Server 0.00008.
gnomAD v4.1: 280 of 1,613,774 alleles (0.017%); highest among the groups gnomAD compares: Non-Finnish European, 0.024%; no homozygotes.

Submission:

Labcorp Genetics (formerly Invitae), Labcorp
Classification: Uncertain significance. Last evaluated: 2022-08-22. Review status: criteria provided, single submitter. Criteria: Invitae Variant Classification Sherloc (09022015). Collection method: clinical testing. Allele origin: germline.
Comment: This sequence change replaces asparagine, which is neutral and polar, with serine, which is neutral and polar, at codon 795 of the ADAMTS10 protein (p.Asn795Ser). This variant is present in population databases (rs373528676, gnomAD 0.003%). This variant has not been reported in the literature in individuals affected with ADAMTS10-related conditions. ClinVar contains an entry for this variant (Variation ID: 1427582). Algorithms developed to predict the effect of missense changes on protein structure and function (SIFT, PolyPhen-2, Align-GVGD) all suggest that this variant is likely to be disruptive. In summary, the available evidence is currently insufficient to determine the role of this variant in disease. Therefore, it has been classified as a Variant of Uncertain Significance.